The following is an entry in ClinVar:

ClinVar aggregate classification (germline): Uncertain significance (1 of 4 stars; one submission).

Conditions:
Inborn genetic diseases. Identifiers: MedGen C0950123, MeSH D030342.

gnomAD v4.1: 4 of 1,614,100 alleles (0.00025%); highest among the groups gnomAD compares: South Asian, 0.0011%; no homozygotes.

Submission:

Ambry Genetics
Classification: Uncertain significance for Inborn genetic diseases. Last evaluated: 2026-03-19. Review status: criteria provided, single submitter. Criteria: Ambry Variant Classification Scheme 2023. Collection method: clinical testing. Allele origin: germline.
Comment: The c.2602G>A (p.V868M) alteration is located in exon 24 (coding exon 24) of the XDH gene. This alteration results from a G to A substitution at nucleotide position 2602, causing the valine (V) at amino acid position 868 to be replaced by a methionine (M). Based on data from gnomAD, the A allele has an overall frequency of 0.001% (2/251458) total alleles studied. The highest observed frequency was 0.003% (1/30616) of South Asian alleles. Based on insufficient or conflicting evidence, the clinical significance of this alteration remains unclear.

NM_000379.4(XDH):c.2602G>A (p.Val868Met)

Gene: XDH (xanthine dehydrogenase; minus strand). Cytogenetic location: 2p23.1.
Variant type: single nucleotide variant.
Coding change: c.2602G>A on transcript NM_000379.4 (MANE Select); coding-DNA position 2602, G replaced by A.
Protein change: p.Val868Met; replaces valine 868 with methionine.
Molecular consequence: missense variant.
Genome position (GRCh38, 1-based): chr2:31,364,187, C>T on the plus strand (G>A on the coding strand, the complement: XDH is on the minus strand). VCF-style: chr2-31364187-C-T. GRCh37 (hg19) VCF-style: chr2-31587053-C-T.
Other names: short protein forms V868M.
Identifiers: ClinVar variation 4866825 (VCV004866825.1).